The following is an entry in ClinVar:

NM_000132.4(F8):c.6542T>A (p.Leu2181His)

Gene: F8 (coagulation factor VIII; minus strand). Cytogenetic location: Xq28.
Variant type: single nucleotide variant.
Coding change: c.6542T>A on transcript NM_000132.4 (MANE Select); coding-DNA position 6542, T replaced by A.
Protein change: p.Leu2181His; replaces leucine 2181 with histidine.
Molecular consequence: missense variant.
Genome position (GRCh38, 1-based): chrX:154,863,115, A>T on the plus strand (T>A on the coding strand, the complement: F8 is on the minus strand). VCF-style: chrX-154863115-A-T. GRCh37 (hg19) VCF-style: chrX-154091390-A-T.
Other names: NM_019863.3:c.137T>A; c.137T>A, p.Leu46His (NM_019863.3); short protein forms L2181H, L46H.
Identifiers: ClinVar variation 4538569 (VCV004538569.1).

ClinVar aggregate classification (germline): Likely pathogenic (3 of 4 stars; one submission).

Conditions:
Hereditary factor VIII deficiency disease (HEMA). Also called: HEMOPHILIA, CLASSIC; AUTOSOMAL HEMOPHILIA A; Hemophilia A; Hemophilia A, congenital; HEM A; Factor 8 deficiency, congenital. Identifiers: Orphanet 98878, MedGen C0019069, MONDO:0010602, OMIM 306700.

Submission:

ClinGen Coagulation Factor Deficiency Variant Curation Expert Panel, Clingen
Classification: Likely pathogenic for Hereditary factor VIII deficiency disease. Last evaluated: 2025-10-03. Review status: reviewed by expert panel. Criteria: ClinGen CoagFactor ACMG Specifications F8 V1.0.0. Collection method: curation. Allele origin: germline. Inheritance: X-linked inheritance.
Comment: The c.6542T>A (p.Leu2181His) variant is absent from males in population databases (gnomAD v2.1.1/gnomAD v3) meeting PM2_Supporting. The c.6542T>A (p.Leu2181His) missense variant has a REVEL score of 0.936 (>0.6) meeting PP3. The variant has been reported in at least 3 probands meeting phenotypic criteria for F8 meeting PS4_Moderate and PP4_Moderate (PMID: 29296726). In summary, this variant meets criteria to be classified as likely pathogenic. ACMG/AMP criteria applied, as specified by the Coagulation Factor Deficiency Variant Curation Expert Panel for F8/F9: PM2_Supporting, PP3, PS4_Moderate, and PP4_Moderate.